The following is an entry in ClinVar:

ClinVar aggregate classification (germline): Conflicting classifications of pathogenicity. Review status: criteria provided, conflicting classifications (1 of 4 stars). 5 submissions from 5 submitters: Uncertain significance (3); Likely benign (2). Last evaluated 2025-12-29.

Conditions:
Renal cell carcinoma. Identifiers: Orphanet 217071, MedGen C0007134, MeSH D002292, MONDO:0005086, HP:0005584.
Osteofibrous dysplasia (OSFD). Also called: Tibia, bowing of, with pseudarthrosis and pectus excavatum. Identifiers: Orphanet 488265, MedGen C4085248, MONDO:0011806, OMIM 607278.
Arthrogryposis, distal, IIa 11. Also called: Arthrogryposis, distal, type 11. Identifiers: MedGen C5774205, MONDO:0031045, OMIM 620019.
Autosomal recessive nonsyndromic hearing loss 97. Also called: Deafness, autosomal recessive 97. Identifiers: Orphanet 90636, MedGen C4084709, MONDO:0014739, OMIM 616705.
Papillary renal cell carcinoma type 1 (RCCP1). Also called: RENAL CELL CARCINOMA, PAPILLARY, 1, SOMATIC; Renal adenocarcinoma; Renal cell carcinoma 1; Renal cell carcinoma, somatic. Identifiers: Orphanet 47044, MedGen C1336839, OMIM 605074, HP:0011797.
Hepatocellular carcinoma (HCC). Also called: Primary carcinoma of liver; HEPATOMA; LIVER CELL CARCINOMA. Identifiers: Orphanet 88673, MedGen C2239176, MONDO:0007256, OMIM 114550, HP:0001402.
Hereditary cancer-predisposing syndrome. Also called: Hereditary Cancer Syndrome; Neoplastic Syndromes, Hereditary; Tumor predisposition; Hereditary neoplastic syndrome. Identifiers: Orphanet 140162, MedGen C0027672, MeSH D009386, MONDO:0015356.

Allele frequency attached by ClinVar (database versions not stated): gnomAD exomes 0.00001; ExAC 0.00002; TOPMed 0.00003; gnomAD 0.00006 and 0.00007.
gnomAD v4.1: 26 of 1,614,004 alleles (0.0016%); highest among the groups gnomAD compares: African/African-American, 0.011%; no homozygotes.

Submissions (5):

Center for Genomic Medicine, Rigshospitalet, Copenhagen University Hospital
Classification: Uncertain significance. Last evaluated: 2025-12-29. Review status: criteria provided, single submitter. Criteria: ACMG Guidelines, 2015. Collection method: clinical testing. Allele origin: germline.
Comment: Classification criteria: BP4

Labcorp Genetics (formerly Invitae), Labcorp
Classification: Likely benign for Renal cell carcinoma. Last evaluated: 2025-11-19. Review status: criteria provided, single submitter. Criteria: Invitae Variant Classification Sherloc (09022015). Collection method: clinical testing. Allele origin: germline.

Ambry Genetics
Classification: Likely benign for Hereditary cancer-predisposing syndrome. Last evaluated: 2025-01-17. Review status: criteria provided, single submitter. Criteria: Ambry Variant Classification Scheme 2023. Collection method: clinical testing. Allele origin: germline.

Fulgent Genetics
Classification: Uncertain significance for Hepatocellular carcinoma; Papillary renal cell carcinoma type 1; Osteofibrous dysplasia; Autosomal recessive nonsyndromic hearing loss 97; Arthrogryposis, distal, IIa 11. Last evaluated: 2024-02-09. Review status: criteria provided, single submitter. Criteria: ACMG Guidelines, 2015. Collection method: clinical testing. Allele origin: germline.

Mendelics
Classification: Uncertain significance for Renal cell carcinoma, papillary, 1. Last evaluated: 2018-07-02. Review status: criteria provided, single submitter. Criteria: Mendelics Assertion Criteria 2017. Collection method: clinical testing. Allele origin: unknown.

NM_000245.4(MET):c.803C>T (p.Thr268Ile)

Gene: MET (MET proto-oncogene, receptor tyrosine kinase; plus strand). Cytogenetic location: 7q31.2.
Variant type: single nucleotide variant.
Coding change: c.803C>T on transcript NM_000245.4 (MANE Select); coding-DNA position 803, C replaced by T.
Protein change: p.Thr268Ile; replaces threonine 268 with isoleucine.
Molecular consequence: missense variant. On other transcripts: intron variant (1).
Genome position (GRCh38, 1-based): chr7:116,699,887, C>T. VCF-style: chr7-116699887-C-T. GRCh37 (hg19) VCF-style: chr7-116339941-C-T.
Other names: c.803C>T, p.Thr268Ile (NM_001127500.3, NM_001324401.3); c.-91+27310C>T (NM_001324402.2); short protein forms T268I.
Identifiers: ClinVar variation 480824 (VCV000480824.20), dbSNP rs757427533, ClinGen allele CA4448031.